The following is an entry in ClinVar:

ClinVar aggregate classification (germline): Conflicting classifications of pathogenicity. Review status: criteria provided, conflicting classifications (1 of 4 stars). 5 submissions from 5 submitters: Uncertain significance (4); Likely benign (1). Last evaluated 2026-01-28.

Conditions:
Neurodevelopmental disorder with cerebellar atrophy and with or without seizures. Identifiers: MedGen C4748032, MONDO:0020841, OMIM 618056.
Neonatal-onset encephalopathy with rigidity and seizures. Also called: Lethal neonatal spasticity-epileptic encephalopathy syndrome. Identifiers: Orphanet 435845, MedGen C3281029, MONDO:0013784, OMIM 614498.

Allele frequency attached by ClinVar (database versions not stated): ExAC 0.00018; gnomAD exomes 0.00023; TOPMed 0.00035; gnomAD 0.00038; ESP Exome Variant Server 0.00046; 1000 Genomes Project 30x 0.00047; 1000 Genomes Project 0.00060.
gnomAD v4.1: 861 of 1,610,432 alleles (0.053%); highest among the groups gnomAD compares: Non-Finnish European, 0.069%; 3 homozygotes.

Submissions (5):

Labcorp Genetics (formerly Invitae), Labcorp
Classification: Likely benign for Neonatal-onset encephalopathy with rigidity and seizures. Last evaluated: 2026-01-28. Review status: criteria provided, single submitter. Criteria: Invitae Variant Classification Sherloc (09022015). Collection method: clinical testing. Allele origin: germline.

Blueprint Genetics
Classification: Uncertain significance. Last evaluated: 2024-11-21. Review status: criteria provided, single submitter. Criteria: ACMG Guidelines, 2015. Collection method: clinical testing. Allele origin: germline.

GeneDx
Classification: Uncertain significance. Last evaluated: 2024-05-02. Review status: criteria provided, single submitter. Criteria: GeneDx Variant Classification Process June 2021. Collection method: clinical testing. Allele origin: germline. Affected: yes.
Comment: In silico analysis indicates that this missense variant does not alter protein structure/function; Has not been previously published as pathogenic or benign to our knowledge

Fulgent Genetics
Classification: Uncertain significance for Neonatal-onset encephalopathy with rigidity and seizures; Neurodevelopmental disorder with cerebellar atrophy and with or without seizures. Last evaluated: 2021-08-24. Review status: criteria provided, single submitter. Criteria: ACMG Guidelines, 2015. Collection method: clinical testing. Allele origin: unknown.

Institute of Human Genetics, University of Leipzig Medical Center
Classification: Uncertain significance for Neurodevelopmental disorder with cerebellar atrophy and with or without seizures. Last evaluated: 2019-01-01. Review status: criteria provided, single submitter. Criteria: ACMG Guidelines, 2015. Collection method: clinical testing. Allele origin: germline. Affected: yes.
Comment: This variant was identified as compound heterozygous.

NM_152743.4(BRAT1):c.883A>G (p.Met295Val)

Gene: BRAT1 (BRCA1 associated ATM activator 1; minus strand). Cytogenetic location: 7p22.3.
Variant type: single nucleotide variant.
Coding change: c.883A>G on transcript NM_152743.4 (MANE Select); coding-DNA position 883, A replaced by G.
Protein change: p.Met295Val; replaces methionine 295 with valine.
Molecular consequence: missense variant. On other transcripts: non-coding transcript variant (1).
Genome position (GRCh38, 1-based): chr7:2,543,244, T>C on the plus strand (A>G on the coding strand, the complement: BRAT1 is on the minus strand). VCF-style: chr7-2543244-T-C. GRCh37 (hg19) VCF-style: chr7-2582878-T-C.
Other names: c.883A>G, p.Met295Val (NM_001350626.2); c.358A>G, p.Met120Val (NM_001350627.2); short protein forms M295V, M120V.
Identifiers: ClinVar variation 540153 (VCV000540153.16), dbSNP rs151317339, ClinGen allele CA4128028.